The following is an entry in ClinVar:

NM_153252.5(BRWD3):c.4855T>C (p.Cys1619Arg)

Gene: BRWD3 (bromodomain and WD repeat domain containing 3; minus strand). Cytogenetic location: Xq21.1.
Variant type: single nucleotide variant.
Coding change: c.4855T>C on transcript NM_153252.5 (MANE Select); coding-DNA position 4855, T replaced by C.
Protein change: p.Cys1619Arg; replaces cysteine 1619 with arginine.
Molecular consequence: missense variant.
Genome position (GRCh38, 1-based): chrX:80,677,163, A>G on the plus strand (T>C on the coding strand, the complement: BRWD3 is on the minus strand). VCF-style: chrX-80677163-A-G. GRCh37 (hg19) VCF-style: chrX-79932662-A-G.
Other names: short protein forms C1619R.
Identifiers: ClinVar variation 2501516 (VCV002501516.1), dbSNP rs2520199699, ClinGen allele CA413747142.

ClinVar aggregate classification (germline): Uncertain significance (1 of 4 stars; one submission).

Submission:

GeneDx
Classification: Uncertain significance. Last evaluated: 2022-11-05. Review status: criteria provided, single submitter. Criteria: GeneDx Variant Classification Process June 2021. Collection method: clinical testing. Allele origin: germline. Affected: yes.
Comment: Not observed at significant frequency in large population cohorts (gnomAD); In silico analysis supports that this missense variant does not alter protein structure/function; Has not been previously published as pathogenic or benign to our knowledge